The following is an entry in ClinVar:

ClinVar aggregate classification (germline): Uncertain significance. Review status: criteria provided, multiple submitters, no conflicts (2 of 4 stars). 2 submissions from 2 submitters: Uncertain significance (2). Last evaluated 2026-04-09.

Conditions:
Hereditary cancer-predisposing syndrome. Also called: Neoplastic Syndromes, Hereditary; Tumor predisposition; Hereditary Cancer Syndrome; Hereditary neoplastic syndrome. Identifiers: Orphanet 140162, MedGen C0027672, MeSH D009386, MONDO:0015356.

gnomAD v4.1: 2 of 1,613,892 alleles (0.00012%); highest among the groups gnomAD compares: Non-Finnish European, 0.00017%; no homozygotes.

Submissions (2):

Ambry Genetics
Classification: Uncertain significance for Hereditary cancer-predisposing syndrome. Last evaluated: 2026-04-09. Review status: criteria provided, single submitter. Criteria: Ambry Variant Classification Scheme 2023. Collection method: clinical testing. Allele origin: germline.
Comment: The p.G2226R variant (also known as c.6676G>C), located in coding exon 48 of the POLE gene, results from a G to C substitution at nucleotide position 6676. The glycine at codon 2226 is replaced by arginine, an amino acid with dissimilar properties. This amino acid position is highly conserved in available vertebrate species. In addition, the in silico prediction for this alteration is inconclusive. Based on the available evidence, the clinical significance of this variant remains unclear.

Labcorp Genetics (formerly Invitae), Labcorp
Classification: Uncertain significance. Last evaluated: 2022-05-27. Review status: criteria provided, single submitter. Criteria: Invitae Variant Classification Sherloc (09022015). Collection method: clinical testing. Allele origin: germline.
Comment: This sequence change replaces glycine, which is neutral and non-polar, with arginine, which is basic and polar, at codon 2226 of the POLE protein (p.Gly2226Arg). This variant is not present in population databases (gnomAD no frequency). This variant has not been reported in the literature in individuals affected with POLE-related conditions. Algorithms developed to predict the effect of missense changes on protein structure and function (SIFT, PolyPhen-2, Align-GVGD) all suggest that this variant is likely to be tolerated. In summary, the available evidence is currently insufficient to determine the role of this variant in disease. Therefore, it has been classified as a Variant of Uncertain Significance.

NM_006231.4(POLE):c.6676G>C (p.Gly2226Arg)

Gene: POLE (DNA polymerase epsilon, catalytic subunit; minus strand). Cytogenetic location: 12q24.33.
Variant type: single nucleotide variant.
Coding change: c.6676G>C on transcript NM_006231.4 (MANE Select); coding-DNA position 6676, G replaced by C.
Protein change: p.Gly2226Arg; replaces glycine 2226 with arginine.
Molecular consequence: missense variant.
Genome position (GRCh38, 1-based): chr12:132,624,976, C>G on the plus strand (G>C on the coding strand, the complement: POLE is on the minus strand). VCF-style: chr12-132624976-C-G. GRCh37 (hg19) VCF-style: chr12-133201562-C-G.
Other names: c.6676G>C (NM_006231.2); short protein forms G2226R.
Identifiers: ClinVar variation 1999732 (VCV001999732.5), dbSNP rs766291093, ClinGen allele CA387366230.